The following is an entry in ClinVar:

NM_003672.4(CDC14A):c.1535C>T (p.Pro512Leu)

Gene: CDC14A (cell division cycle 14A; plus strand). Cytogenetic location: 1p21.2.
Variant type: single nucleotide variant.
Coding change: c.1535C>T on transcript NM_003672.4 (MANE Select); coding-DNA position 1535, C replaced by T.
Protein change: p.Pro512Leu; replaces proline 512 with leucine.
Molecular consequence: missense variant.
Genome position (GRCh38, 1-based): chr1:100,499,042, C>T. VCF-style: chr1-100499042-C-T. GRCh37 (hg19) VCF-style: chr1-100964598-C-T.
Other names: c.1535C>T, p.Pro512Leu (NM_001319210.2, NM_033312.3); c.1361C>T, p.Pro454Leu (NM_001319211.2); c.656C>T, p.Pro219Leu (NM_001319212.2); c.1535C>T (NM_033312.2); short protein forms P219L, P454L, P512L.
Identifiers: ClinVar variation 1209164 (VCV001209164.8), dbSNP rs143117380, ClinGen allele CA970924.

ClinVar aggregate classification (germline): Conflicting classifications of pathogenicity. Review status: criteria provided, conflicting classifications (1 of 4 stars). 4 submissions from 4 submitters: Uncertain significance (1); Likely benign (3). Last evaluated 2024-12-02.

Conditions:
CDC14A-related disorder. Also called: CDC14A-related condition.
Inborn genetic diseases. Identifiers: MedGen C0950123, MeSH D030342.

Allele frequency attached by ClinVar (database versions not stated): gnomAD 0.00011; ExAC 0.00012; TOPMed 0.00014; gnomAD exomes 0.00020; ESP Exome Variant Server 0.00023.
gnomAD v4.1: 171 of 1,614,026 alleles (0.011%); highest among the groups gnomAD compares: South Asian, 0.0055%; 1 homozygote.

Submissions (4):

PreventionGenetics, part of Exact Sciences
Classification: Likely benign for CDC14A-related condition. Last evaluated: 2024-12-02. Review status: criteria provided, single submitter. Criteria: ACMG Guidelines, 2015. Collection method: clinical testing. Allele origin: germline.
Comment: This variant is classified as likely benign based on ACMG/AMP sequence variant interpretation guidelines (Richards et al. 2015 PMID: 25741868, with internal and published modifications).

Labcorp Genetics (formerly Invitae), Labcorp
Classification: Likely benign. Last evaluated: 2024-11-09. Review status: criteria provided, single submitter. Criteria: Invitae Variant Classification Sherloc (09022015). Collection method: clinical testing. Allele origin: germline.

Ambry Genetics
Classification: Uncertain significance for Inborn genetic diseases. Last evaluated: 2023-09-22. Review status: criteria provided, single submitter. Criteria: Ambry Variant Classification Scheme 2023. Collection method: clinical testing. Allele origin: germline.

GeneDx
Classification: Likely benign. Last evaluated: 2018-12-27. Review status: criteria provided, single submitter. Criteria: GeneDx Variant Classification Process June 2021. Collection method: clinical testing. Allele origin: germline. Affected: yes.